The following is an entry in ClinVar:

NM_000492.4(CFTR):c.1540G>A (p.Glu514Lys)

Genes: CFTR (CF transmembrane conductance regulator; plus strand), CFTR-AS1 (CFTR antisense RNA 1; minus strand). Cytogenetic location: 7q31.2.
Variant type: single nucleotide variant.
Coding change: c.1540G>A on transcript NM_000492.4 (MANE Select); coding-DNA position 1540, G replaced by A.
Protein change: p.Glu514Lys; replaces glutamic acid 514 with lysine.
Molecular consequence: missense variant.
Genome position (GRCh38, 1-based): chr7:117,559,611, G>A. VCF-style: chr7-117559611-G-A. GRCh37 (hg19) VCF-style: chr7-117199665-G-A.
Other names: short protein forms E514K.
Identifiers: ClinVar variation 4825411 (VCV004825411.1).

ClinVar aggregate classification (germline): Uncertain significance (1 of 4 stars; one submission).

Conditions:
Cystic fibrosis (CF). Also called: MUCOVISCIDOSIS. Identifiers: Orphanet 586, MedGen C0010674, MONDO:0009061, OMIM 219700. Disease mechanism: loss of function.

Submission:

Ambry Genetics
Classification: Uncertain significance for Cystic fibrosis. Last evaluated: 2026-02-09. Review status: criteria provided, single submitter. Criteria: Ambry Variant Classification Scheme 2023. Collection method: clinical testing. Allele origin: germline.
Comment: The p.E514K variant (also known as c.1540G>A), located in coding exon 11 of the CFTR gene, results from a G to A substitution at nucleotide position 1540. The glutamic acid at codon 514 is replaced by lysine, an amino acid with similar properties. This amino acid position is highly conserved in available vertebrate species. In addition, this alteration is predicted to be deleterious by in silico analysis. Based on the available evidence, the clinical significance of this variant remains unclear.